The following is an entry in ClinVar:

NM_001103146.3(GIGYF2):c.2605G>A (p.Glu869Lys)

Gene: GIGYF2 (GRB10 interacting GYF protein 2; plus strand). Cytogenetic location: 2q37.1.
Variant type: single nucleotide variant.
Coding change: c.2605G>A on transcript NM_001103146.3 (MANE Select); coding-DNA position 2605, G replaced by A.
Protein change: p.Glu869Lys; replaces glutamic acid 869 with lysine.
Molecular consequence: missense variant. On other transcripts: non-coding transcript variant (1).
Genome position (GRCh38, 1-based): chr2:232,832,932, G>A. VCF-style: chr2-232832932-G-A. GRCh37 (hg19) VCF-style: chr2-233697642-G-A.
Other names: c.2668G>A, p.Glu890Lys (NM_001103147.2); c.2587G>A, p.Glu863Lys (NM_001103148.2); c.2605G>A, p.Glu869Lys (NM_015575.4); short protein forms E863K, E869K, E890K.
Identifiers: ClinVar variation 4891331 (VCV004891331.1).
Genomic context (GRCh38, chr2:232,832,932, plus strand): 5'-AAATGGGCCCGGGAAGAAGAAGAAGCCCAGCGTCGATTAGAGGAGAACCGGCTGCGGATG[G>A]AAGAGGAGGCAGCCAGACTCCGGCATGAGGAAGAAGAACGGAAGAGAAAGGAGCTGGAGG-3'
Protein context (NP_001096616.1, residues 859-879): RRLEENRLRM[Glu869Lys]EEAARLRHEE

ClinVar aggregate classification (germline): Uncertain significance (1 of 4 stars; one submission).

Submission:

GeneDx
Classification: Uncertain significance. Last evaluated: 2023-02-14. Review status: criteria provided, single submitter. Criteria: GeneDx Variant Classification Process June 2021. Collection method: clinical testing. Allele origin: germline.
Comment: Not observed at significant frequency in large population cohorts (gnomAD); In silico analysis supports that this missense variant does not alter protein structure/function; Has not been previously published as pathogenic or benign to our knowledge; Variants in candidate genes are classified as variants of uncertain significance in accordance with ACMG guidelines (Richards et al., 2015)